The following is an entry in ClinVar:

ClinVar aggregate classification (germline): Pathogenic. Review status: criteria provided, multiple submitters, no conflicts (2 of 4 stars). 7 submissions from 7 submitters: Pathogenic (5). 2 of the submissions do not count toward it. Last evaluated 2026-04-14.

Conditions:
Familial intrahepatic cholestasis. Identifiers: Orphanet 284385, MedGen CN296401, MONDO:0017290.
Benign recurrent intrahepatic cholestasis type 2 (BRIC2). Also called: Recurrent familial intrahepatic cholestasis 2. Identifiers: Orphanet 65682, Orphanet 99961, MedGen C2608083, MONDO:0011559, OMIM 605479.
Progressive familial intrahepatic cholestasis type 2. Identifiers: Orphanet 79304, MedGen C3489789, MONDO:0011156, OMIM 601847.
ABCB11-related disorder. Also called: ABCB11-related condition.

Submissions (7):

Genomenon, Inc
Classification: Pathogenic for Familial intrahepatic cholestasis. Last evaluated: 2026-04-14. Review status: criteria provided, single submitter. Criteria: Genomenon Sequence Variant Interpretation Standards - Updated. Collection method: curation. Allele origin: germline. Affected: yes.
Comment: ABCB11 p.Thr127HisfsTer6 (c.379del) is a frameshift variant that results in the production of a truncated protein which is predicted to undergo nonsense-mediated mRNA decay. This variant has been observed in at least one proband with an ABCB11-related disorder (PMID:33915153;28039895;18395098). The variant was found to segregate with disease in at least one affected family (PMID:33915153). It is absent or not present at a significant frequency in gnomAD. In conclusion, we classify ABCB11 p.Thr127HisfsTer6 (c.379del) as a pathogenic variant.

Genomic Medicine Center of Excellence, King Faisal Specialist Hospital and Research Centre
Classification: Pathogenic for Progressive familial intrahepatic cholestasis type 2. Last evaluated: 2024-03-25. Review status: criteria provided, single submitter. Criteria: ACMG Guidelines, 2015. Collection method: clinical testing. Allele origin: germline.

Baylor Genetics
Classification: Pathogenic for Benign recurrent intrahepatic cholestasis type 2. Last evaluated: 2018-04-22. Review status: criteria provided, single submitter. Criteria: ACMG Guidelines, 2015. Collection method: clinical testing. Allele origin: unknown. Affected: yes.
Comment: This variant was determined to be pathogenic according to ACMG Guidelines, 2015 [PMID:25741868]. This variant has been previously reported as disease causing in patients with severe bile salt export pump deficiency [PMID 18395098]

Blueprint Genetics
Classification: Pathogenic for ABCB11-related disorders. Last evaluated: 2017-12-07. Review status: criteria provided, single submitter. Criteria: ACMG Guidelines, 2015. Collection method: clinical testing. Allele origin: germline. Affected: yes. Observed: 1 variant allele.

Eurofins Ntd Llc (ga)
Classification: Pathogenic. Last evaluated: 2017-10-23. Review status: criteria provided, single submitter. Criteria: EGL Classification Definitions 2015. Collection method: clinical testing. Allele origin: germline.

Biochemical Molecular Genetic Laboratory, King Abdulaziz Medical City
Classification: Pathogenic for Progressive familial intrahepatic cholestasis type 2. Last evaluated: 2019-09-26. Review status: no assertion criteria provided. Collection method: clinical testing. Allele origin: germline. Affected: yes. Not counted in ClinVar's aggregate classification.

Genomics And Bioinformatics Analysis Resource, Columbia University
Classification: Pathogenic for Progressive familial intrahepatic cholestasis type 2. Review status: no assertion criteria provided. Collection method: research. Allele origin: unknown. Affected: yes. Not counted in ClinVar's aggregate classification.

Literature cited by the submitters: PubMed 33915153 (cited by Genomenon, Inc); PubMed 28039895 (cited by Genomenon, Inc); PubMed 18395098 (cited by 3 submitters).

NM_003742.4(ABCB11):c.379del (p.Thr127fs)

Gene: ABCB11 (ATP binding cassette subfamily B member 11; minus strand). Cytogenetic location: 2q31.1.
Variant type: Deletion.
Coding change: c.379del on transcript NM_003742.4 (MANE Select); coding-DNA position 379, one base deleted (A; older notation c.379delA).
Protein change: p.Thr127fs; shifts the reading frame from threonine 127.
Molecular consequence: frameshift variant.
Genome position (GRCh38, 1-based): chr2:169,013,282, T deleted on the plus strand (A on the coding strand, the reverse complement: ABCB11 is on the minus strand); the first of 2 consecutive T bases (chr2:169,013,282-169,013,283); deleting either gives the same sequence. VCF-style (leftmost placement, unchanged base first): chr2-169013281-GT-G. GRCh37 (hg19) VCF-style: chr2-169869791-GT-G.
Other names: c.379delA (NM_003742.2, NM_003742.4); c.379del, p.Thr127fs (LRG_1199t1); short protein forms T127fs.
Identifiers: ClinVar variation 594630 (VCV000594630.11), dbSNP rs1558927163, ClinGen allele CA913189376.